The following is an entry in ClinVar:

ClinVar aggregate classification (germline): Uncertain significance (1 of 4 stars; one submission).

Submission:

GeneDx
Classification: Uncertain significance. Last evaluated: 2024-05-22. Review status: criteria provided, single submitter. Criteria: GeneDx Variant Classification Process June 2021. Collection method: clinical testing. Allele origin: germline. Affected: yes.
Comment: Not observed at significant frequency in large population cohorts (gnomAD); In silico analysis indicates that this missense variant does not alter protein structure/function; Has not been previously published as pathogenic or benign to our knowledge

NM_181303.2(NLGN3):c.838C>T (p.Arg280Cys)

Gene: NLGN3 (neuroligin 3; plus strand). Cytogenetic location: Xq13.1.
Variant type: single nucleotide variant.
Coding change: c.838C>T on transcript NM_181303.2 (MANE Select); coding-DNA position 838, C replaced by T.
Protein change: p.Arg280Cys; replaces arginine 280 with cysteine.
Molecular consequence: missense variant.
Genome position (GRCh38, 1-based): chrX:71,164,253, C>T. VCF-style: chrX-71164253-C-T. GRCh37 (hg19) VCF-style: chrX-70384103-C-T.
Other names: c.718C>T, p.Arg240Cys (NM_001166660.2); c.427C>T, p.Arg143Cys (NM_001321276.2); c.778C>T, p.Arg260Cys (NM_018977.4); short protein forms R143C, R240C, R260C, R280C.
Identifiers: ClinVar variation 3383548 (VCV003383548.1).